The following is an entry in ClinVar:

NM_004415.4(DSP):c.1969A>G (p.Thr657Ala)

Gene: DSP (desmoplakin; plus strand). Cytogenetic location: 6p24.3.
Variant type: single nucleotide variant.
Coding change: c.1969A>G on transcript NM_004415.4 (MANE Select); coding-DNA position 1969, A replaced by G.
Protein change: p.Thr657Ala; replaces threonine 657 with alanine.
Molecular consequence: missense variant.
Genome position (GRCh38, 1-based): chr6:7,571,907, A>G. VCF-style: chr6-7571907-A-G. GRCh37 (hg19) VCF-style: chr6-7572140-A-G.
Other names: c.1969A>G, p.Thr657Ala (NM_001008844.3, NM_001319034.2); short protein forms T657A.
Identifiers: ClinVar variation 4758681 (VCV004758681.1).

ClinVar aggregate classification (germline): Uncertain significance (1 of 4 stars; one submission).

Conditions:
Cardiomyopathy (CMYO). Also called: Cardiomyopathies. Identifiers: Orphanet 167848, MedGen C0878544, MONDO:0004994, HP:0001638. Inheritance: Various modes of inheritance.

Submission:

Color Diagnostics, LLC DBA Color Health
Classification: Uncertain significance for Cardiomyopathy. Last evaluated: 2025-06-03. Review status: criteria provided, single submitter. Criteria: ACMG Guidelines, 2015. Collection method: clinical testing. Allele origin: germline.
Comment: This missense variant replaces threonine with alanine at codon 657 of the DSP protein. Computational prediction suggests that this variant may not impact protein structure and function. To our knowledge, functional studies have not been reported for this variant. This variant has not been reported in individuals affected with DSP-related disorders in the literature. This variant has not been identified in the general population by the Genome Aggregation Database (gnomAD). The available evidence is insufficient to determine the role of this variant in disease conclusively. Therefore, this variant is classified as a Variant of Uncertain Significance.